The following is an entry in ClinVar:

NM_000142.5(FGFR3):c.1313T>C (p.Val438Ala)

Gene: FGFR3 (fibroblast growth factor receptor 3; plus strand). Cytogenetic location: 4p16.3.
Variant type: single nucleotide variant.
Coding change: c.1313T>C on transcript NM_000142.5 (MANE Select); coding-DNA position 1313, T replaced by C.
Protein change: p.Val438Ala; replaces valine 438 with alanine.
Molecular consequence: missense variant. On other transcripts: non-coding transcript variant (1).
Genome position (GRCh38, 1-based): chr4:1,804,870, T>C. VCF-style: chr4-1804870-T-C. GRCh37 (hg19) VCF-style: chr4-1806597-T-C.
Other names: c.1319T>C, p.Val440Ala (NM_001163213.2); c.1316T>C, p.Val439Ala (NM_001354809.2, NM_001354810.2); c.977T>C, p.Val326Ala (NM_022965.4); short protein forms V439A, V438A, V440A, V326A.
Identifiers: ClinVar variation 2821731 (VCV002821731.4), dbSNP rs2546825009, ClinGen allele CA355980183.

ClinVar aggregate classification (germline): Uncertain significance. Review status: criteria provided, multiple submitters, no conflicts (2 of 4 stars). 2 submissions from 2 submitters: Uncertain significance (2). Last evaluated 2026-06-23.

Conditions:
FGFR3-related chondrodysplasia. Identifiers: Orphanet 93420, MedGen C5681604, MONDO:0019685.

Submissions (2):

Genomenon, Inc
Classification: Uncertain significance for FGFR3-related chondrodysplasia. Last evaluated: 2026-06-23. Review status: criteria provided, single submitter. Criteria: Genomenon Sequence Variant Interpretation Standards - Updated. Collection method: curation. Allele origin: germline. Affected: no.
Comment: FGFR3 p.Val438Ala (c.1313T>C) is a missense variant that changes the amino acid at codon 438 from Valine to Alanine. This variant has been reported in the published literature (PMID:38737102). It is absent or not present at a significant frequency in gnomAD. In silico models predict that this variant is possibly or probably damaging. In conclusion, we classify FGFR3 p.Val438Ala (c.1313T>C) as a variant of uncertain significance.

Labcorp Genetics (formerly Invitae), Labcorp
Classification: Uncertain significance. Last evaluated: 2024-10-07. Review status: criteria provided, single submitter. Criteria: Invitae Variant Classification Sherloc (09022015). Collection method: clinical testing. Allele origin: germline.
Comment: This sequence change replaces valine, which is neutral and non-polar, with alanine, which is neutral and non-polar, at codon 438 of the FGFR3 protein (p.Val438Ala). This variant is not present in population databases (gnomAD no frequency). This variant has not been reported in the literature in individuals affected with FGFR3-related conditions. Invitae Evidence Modeling of protein sequence and biophysical properties (such as structural, functional, and spatial information, amino acid conservation, physicochemical variation, residue mobility, and thermodynamic stability) has been performed for this missense variant. However, the output from this modeling did not meet the statistical confidence thresholds required to predict the impact of this variant on FGFR3 protein function. In summary, the available evidence is currently insufficient to determine the role of this variant in disease. Therefore, it has been classified as a Variant of Uncertain Significance.

Literature cited by the submitters: PubMed 38737102 (cited by Genomenon, Inc).